The following is an entry in ClinVar:

NM_002691.4(POLD1):c.2851C>G (p.Pro951Ala)

Gene: POLD1 (DNA polymerase delta 1, catalytic subunit; plus strand). Cytogenetic location: 19q13.33.
Variant type: single nucleotide variant.
Coding change: c.2851C>G on transcript NM_002691.4 (MANE Select); coding-DNA position 2851, C replaced by G.
Protein change: p.Pro951Ala; replaces proline 951 with alanine.
Molecular consequence: missense variant. On other transcripts: non-coding transcript variant (1).
Genome position (GRCh38, 1-based): chr19:50,416,426, C>G. VCF-style: chr19-50416426-C-G. GRCh37 (hg19) VCF-style: chr19-50919683-C-G.
Other names: c.2851C>G (NM_002691.2); c.2851C>G, p.Pro951Ala (NM_001256849.1); c.2929C>G, p.Pro977Ala (NM_001308632.1); short protein forms P951A, P977A.
Identifiers: ClinVar variation 2963388 (VCV002963388.4), dbSNP rs1019032820, ClinGen allele CA406986306.

ClinVar aggregate classification (germline): Uncertain significance. Review status: criteria provided, multiple submitters, no conflicts (2 of 4 stars). 2 submissions from 2 submitters: Uncertain significance (2). Last evaluated 2025-06-20.

Conditions:
Hereditary cancer-predisposing syndrome. Also called: Neoplastic Syndromes, Hereditary; Tumor predisposition; Hereditary Cancer Syndrome; Hereditary neoplastic syndrome. Identifiers: Orphanet 140162, MedGen C0027672, MeSH D009386, MONDO:0015356.
POLD1-related polyposis and colorectal cancer syndrome (CRCS10). Also called: Colorectal cancer 10; COLORECTAL CANCER, SUSCEPTIBILITY TO, ON CHROMOSOME 19q; Colorectal cancer, susceptibility to, 10. Identifiers: Orphanet 220460, MedGen C2675481, MONDO:0012953, OMIM 612591.

gnomAD v4.1: 2 of 1,549,798 alleles (0.00013%); highest among the groups gnomAD compares: Non-Finnish European, 0.000087%; no homozygotes.

Submissions (2):

Ambry Genetics
Classification: Uncertain significance for Hereditary cancer-predisposing syndrome. Last evaluated: 2025-06-20. Review status: criteria provided, single submitter. Criteria: Ambry Variant Classification Scheme 2023. Collection method: clinical testing. Allele origin: germline.
Comment: The p.P951A variant (also known as c.2851C>G), located in coding exon 22 of the POLD1 gene, results from a C to G substitution at nucleotide position 2851. The proline at codon 951 is replaced by alanine, an amino acid with highly similar properties. This amino acid position is conserved. In addition, this alteration is predicted to be tolerated by in silico analysis. Based on the available evidence, the clinical significance of this variant remains unclear.

Labcorp Genetics (formerly Invitae), Labcorp
Classification: Uncertain significance for POLD1-related polyposis and colorectal cancer syndrome. Last evaluated: 2022-11-28. Review status: criteria provided, single submitter. Criteria: Invitae Variant Classification Sherloc (09022015). Collection method: clinical testing. Allele origin: germline.
Comment: Advanced modeling of protein sequence and biophysical properties (such as structural, functional, and spatial information, amino acid conservation, physicochemical variation, residue mobility, and thermodynamic stability) performed at Invitae indicates that this missense variant is not expected to disrupt POLD1 protein function. In summary, the available evidence is currently insufficient to determine the role of this variant in disease. Therefore, it has been classified as a Variant of Uncertain Significance. This variant has not been reported in the literature in individuals affected with POLD1-related conditions. This sequence change replaces proline, which is neutral and non-polar, with alanine, which is neutral and non-polar, at codon 951 of the POLD1 protein (p.Pro951Ala). This variant is not present in population databases (gnomAD no frequency).